The following is an entry in ClinVar:

ClinVar aggregate classification (germline): Uncertain significance (1 of 4 stars; one submission).

Submission:

Labcorp Genetics (formerly Invitae), Labcorp
Classification: Uncertain significance. Last evaluated: 2021-12-24. Review status: criteria provided, single submitter. Criteria: Invitae Variant Classification Sherloc (09022015). Collection method: clinical testing. Allele origin: germline.
Comment: Experimental studies and prediction algorithms are not available or were not evaluated, and the functional significance of this variant is currently unknown. This variant has not been reported in the literature in individuals affected with SUGCT-related conditions. This variant is a gross deletion of the genomic region encompassing exon(s) 6-7 of the SUGCT gene. This variant would be expected to be in-frame, preserving the integrity of the reading frame. In summary, the available evidence is currently insufficient to determine the role of this variant in disease. Therefore, it has been classified as a Variant of Uncertain Significance.

NC_000007.13:g.(?_40234618)_(40277345_?)del

Gene: SUGCT (succinyl-CoA:glutarate-CoA transferase; plus strand). Cytogenetic location: 7p14.1.
Variant type: Deletion.
Identifiers: ClinVar variation 2426875 (VCV002426875.4).